The following is an entry in ClinVar:

NM_001365951.3(KIF1B):c.2115+5940C>T

Gene: KIF1B (kinesin family member 1B; plus strand). Cytogenetic location: 1p36.22.
Variant type: single nucleotide variant.
Coding change: c.2115+5940C>T on transcript NM_001365951.3 (MANE Select); 5940 bases into the intron after coding-DNA position 2115, C replaced by T.
Molecular consequence: intron variant. On other transcripts: synonymous variant (2).
Genome position (GRCh38, 1-based): chr1:10,303,186, C>T. VCF-style: chr1-10303186-C-T. GRCh37 (hg19) VCF-style: chr1-10363244-C-T.
Other names: c.2001C>T, p.Asp667= (NM_001365953.1, NM_183416.4); c.1977+5940C>T (NM_015074.3); c.2115+5940C>T (NM_001365952.1).
Identifiers: ClinVar variation 3898263 (VCV003898263.7).

ClinVar aggregate classification (germline): Likely benign (1 of 4 stars; one submission).

gnomAD v4.1: 238 of 1,613,236 alleles (0.015%); highest among the groups gnomAD compares: East Asian, 0.48%; 1 homozygote.

Submission:

CeGaT Center for Human Genetics Tuebingen
Classification: Likely benign. Last evaluated: 2025-04-01. Review status: criteria provided, single submitter. Criteria: CeGaT Center For Human Genetics Tuebingen Variant Classification Criteria Version 2. Collection method: clinical testing. Allele origin: germline. Affected: yes. Observed: 1 variant allele.
Comment: KIF1B: BP4, BP7, BS1